The following is an entry in ClinVar:

ClinVar aggregate classification (germline): Uncertain significance (1 of 4 stars; one submission).

Conditions:
Cardiovascular phenotype. Identifiers: MedGen CN230736.

Submission:

Ambry Genetics
Classification: Uncertain significance for Cardiovascular phenotype. Last evaluated: 2022-02-04. Review status: criteria provided, single submitter. Criteria: Ambry Variant Classification Scheme 2023. Collection method: clinical testing. Allele origin: germline.
Comment: The p.T47S variant (also known as c.140C>G), located in coding exon 1 of the TBX5 gene, results from a C to G substitution at nucleotide position 140. The threonine at codon 47 is replaced by serine, an amino acid with similar properties. This amino acid position is conserved. In addition, the in silico prediction for this alteration is inconclusive. Since supporting evidence is limited at this time, the clinical significance of this alteration remains unclear.

NM_181486.4(TBX5):c.140C>G (p.Thr47Ser)

Gene: TBX5 (T-box transcription factor 5; minus strand). Cytogenetic location: 12q24.21.
Variant type: single nucleotide variant.
Coding change: c.140C>G on transcript NM_181486.4 (MANE Select); coding-DNA position 140, C replaced by G.
Protein change: p.Thr47Ser; replaces threonine 47 with serine.
Molecular consequence: missense variant. On other transcripts: intron variant (1).
Genome position (GRCh38, 1-based): chr12:114,403,759, G>C on the plus strand (C>G on the coding strand, the complement: TBX5 is on the minus strand). VCF-style: chr12-114403759-G-C. GRCh37 (hg19) VCF-style: chr12-114841564-G-C.
Other names: c.140C>G, p.Thr47Ser (NM_000192.3); c.-3-1839C>G (NM_080717.4); short protein forms T47S.
Identifiers: ClinVar variation 1771982 (VCV001771982.2), dbSNP rs2540477528, ClinGen allele CA386863427.